The following is an entry in ClinVar:

ClinVar aggregate classification (germline): Likely benign (1 of 4 stars; one submission).

Allele frequency attached by ClinVar (database versions not stated): gnomAD 0.00001; gnomAD exomes below 0.00001.
gnomAD v4.1: 3 of 1,613,842 alleles (0.00019%); highest among the groups gnomAD compares: Middle Eastern, 0.016%; no homozygotes.

Submission:

GeneDx
Classification: Likely benign. Last evaluated: 2018-02-20. Review status: criteria provided, single submitter. Criteria: GeneDx Variant Classification (06012015). Collection method: clinical testing. Allele origin: germline. Affected: yes.
Comment: This variant is considered likely benign or benign based on one or more of the following criteria: it is a conservative change, it occurs at a poorly conserved position in the protein, it is predicted to be benign by multiple in silico algorithms, and/or has population frequency not consistent with disease.

NM_001164508.2(NEB):c.8447A>G (p.Lys2816Arg)

Gene: NEB (nebulin; minus strand). Cytogenetic location: 2q23.3.
Variant type: single nucleotide variant.
Coding change: c.8447A>G on transcript NM_001164508.2 (MANE Select); coding-DNA position 8447, A replaced by G.
Protein change: p.Lys2816Arg; replaces lysine 2816 with arginine.
Molecular consequence: missense variant.
Genome position (GRCh38, 1-based): chr2:151,640,593, T>C on the plus strand (A>G on the coding strand, the complement: NEB is on the minus strand). VCF-style: chr2-151640593-T-C. GRCh37 (hg19) VCF-style: chr2-152497107-T-C.
Other names: c.8447A>G, p.Lys2816Arg (NM_001164507.2, NM_001271208.2, NM_004543.5); short protein forms K2816R.
Identifiers: ClinVar variation 515461 (VCV000515461.1), dbSNP rs1176964266, ClinGen allele CA348811446.